The following is an entry in ClinVar:

ClinVar aggregate classification (germline): Conflicting classifications of pathogenicity. Review status: criteria provided, conflicting classifications (1 of 4 stars). 3 submissions from 3 submitters: Uncertain significance (2); Likely benign (1). Last evaluated 2026-01-12.

Conditions:
Dystonic disorder. Also called: Dystonia. Identifiers: MedGen C0013421, MONDO:0003441, HP:0001332.

Allele frequency attached by ClinVar (database versions not stated): gnomAD 0.00003; TOPMed 0.00003; ExAC 0.00006.
gnomAD v4.1: 75 of 1,611,930 alleles (0.0047%); highest among the groups gnomAD compares: Middle Eastern, 0.033%; 1 homozygote.

Submissions (3):

Labcorp Genetics (formerly Invitae), Labcorp
Classification: Uncertain significance for Dystonic disorder. Last evaluated: 2026-01-12. Review status: criteria provided, single submitter. Criteria: Invitae Variant Classification Sherloc (09022015). Collection method: clinical testing. Allele origin: germline.
Comment: This sequence change replaces valine, which is neutral and non-polar, with methionine, which is neutral and non-polar, at codon 403 of the CIZ1 protein (p.Val403Met). This variant is present in population databases (rs761635767, gnomAD 0.02%). This variant has not been reported in the literature in individuals affected with CIZ1-related conditions. ClinVar contains an entry for this variant (Variation ID: 2158470). An algorithm developed to predict the effect of missense changes on protein structure and function (PolyPhen-2) suggests that this variant is likely to be disruptive. In summary, the available evidence is currently insufficient to determine the role of this variant in disease. Therefore, it has been classified as a Variant of Uncertain Significance.

Ambry Genetics
Classification: Uncertain significance. Last evaluated: 2023-04-14. Review status: criteria provided, single submitter. Criteria: Ambry Variant Classification Scheme 2023. Collection method: clinical testing. Allele origin: germline.

CeGaT Center for Human Genetics Tuebingen
Classification: Likely benign. Last evaluated: 2022-07-01. Review status: criteria provided, single submitter. Criteria: CeGaT Center For Human Genetics Tuebingen Variant Classification Criteria Version 2. Collection method: clinical testing. Allele origin: germline. Affected: yes. Observed: 1 variant allele.
Comment: CIZ1: BP4

NM_001131016.2(CIZ1):c.1207G>A (p.Val403Met)

Gene: CIZ1 (CDKN1A interacting zinc finger protein 1; minus strand). Cytogenetic location: 9q34.11.
Variant type: single nucleotide variant.
Coding change: c.1207G>A on transcript NM_001131016.2 (MANE Select); coding-DNA position 1207, G replaced by A.
Protein change: p.Val403Met; replaces valine 403 with methionine.
Molecular consequence: missense variant. On other transcripts: intron variant (3).
Genome position (GRCh38, 1-based): chr9:128,179,000, C>T on the plus strand (G>A on the coding strand, the complement: CIZ1 is on the minus strand). VCF-style: chr9-128179000-C-T. GRCh37 (hg19) VCF-style: chr9-130941279-C-T.
Other names: c.1134+73G>A (NM_001131015.2); c.1062+73G>A (NM_001131018.2); c.1119+73G>A (NM_001131017.2); c.1297G>A, p.Val433Met (NM_001257975.2); c.904G>A, p.Val302Met (NM_001257976.2); c.1207G>A, p.Val403Met (NM_012127.3); c.1207G>A (NM_012127.2); short protein forms V433M, V403M, V302M.
Identifiers: ClinVar variation 2158470 (VCV002158470.30), dbSNP rs761635767, ClinGen allele CA5257356.